The following is an entry in ClinVar:

NM_017617.5(NOTCH1):c.752G>T (p.Gly251Val)

Gene: NOTCH1 (notch receptor 1; minus strand). Cytogenetic location: 9q34.3.
Variant type: single nucleotide variant.
Coding change: c.752G>T on transcript NM_017617.5 (MANE Select); coding-DNA position 752, G replaced by T.
Protein change: p.Gly251Val; replaces glycine 251 with valine.
Molecular consequence: missense variant.
Genome position (GRCh38, 1-based): chr9:136,519,556, C>A on the plus strand (G>T on the coding strand, the complement: NOTCH1 is on the minus strand). VCF-style: chr9-136519556-C-A. GRCh37 (hg19) VCF-style: chr9-139414008-C-A.
Other names: short protein forms G251V.
Identifiers: ClinVar variation 1495182 (VCV001495182.6), dbSNP rs749943647, ClinGen allele CA375566866.
Genomic context (GRCh38, chr9:136,519,556, plus strand): 5'-GCACCCCCGTTCTTGCAGTTGTTTCCTGGACAATCGTCGATATTTTCCTCACAGTTCTGG[C>A]CGGTGAAGCCTGCCGCAAGAGGGGCCGGGTCAGCCTCTTCCCTGAGGTCCAGTCCGGCTC-3'
Protein context (NP_060087.3, residues 241-261): HECACLPGFT[Gly251Val]QNCEENIDDC

ClinVar aggregate classification (germline): Uncertain significance (1 of 4 stars; one submission).

Conditions:
Adams-Oliver syndrome 5 (AOS5). Identifiers: Orphanet 974, MedGen C4014970, MONDO:0014459, OMIM 616028.

Submission:

Labcorp Genetics (formerly Invitae), Labcorp
Classification: Uncertain significance for Adams-Oliver syndrome 5. Last evaluated: 2022-08-23. Review status: criteria provided, single submitter. Criteria: Invitae Variant Classification Sherloc (09022015). Collection method: clinical testing. Allele origin: germline.
Comment: This sequence change replaces glycine, which is neutral and non-polar, with valine, which is neutral and non-polar, at codon 251 of the NOTCH1 protein (p.Gly251Val). This variant is not present in population databases (gnomAD no frequency). This variant has not been reported in the literature in individuals affected with NOTCH1-related conditions. ClinVar contains an entry for this variant (Variation ID: 1495182). Advanced modeling of protein sequence and biophysical properties (such as structural, functional, and spatial information, amino acid conservation, physicochemical variation, residue mobility, and thermodynamic stability) performed at Invitae indicates that this missense variant is expected to disrupt NOTCH1 protein function. In summary, the available evidence is currently insufficient to determine the role of this variant in disease. Therefore, it has been classified as a Variant of Uncertain Significance.